The following is an entry in ClinVar:

NM_000528.4(MAN2B1):c.2510G>A (p.Trp837Ter)

Gene: MAN2B1 (mannosidase alpha class 2B member 1; minus strand). Cytogenetic location: 19p13.13.
Variant type: single nucleotide variant.
Coding change: c.2510G>A on transcript NM_000528.4 (MANE Select); coding-DNA position 2510, G replaced by A.
Protein change: p.Trp837Ter; replaces tryptophan 837 with a stop codon.
Molecular consequence: nonsense.
Genome position (GRCh38, 1-based): chr19:12,648,329, C>T on the plus strand (G>A on the coding strand, the complement: MAN2B1 is on the minus strand). VCF-style: chr19-12648329-C-T. GRCh37 (hg19) VCF-style: chr19-12759143-C-T.
Other names: c.2507G>A, p.Trp836Ter (NM_001173498.2); c.2513G>A, p.Trp838Ter (NM_001440570.1); short protein forms W836*, W837*, W838*.
Identifiers: ClinVar variation 4814311 (VCV004814311.1).

ClinVar aggregate classification (germline): Likely pathogenic (1 of 4 stars; one submission).

Conditions:
Deficiency of alpha-mannosidase (MANSA). Also called: Alpha-Mannosidosis; Mannosidosis, alpha-, types I and II; LYSOSOMAL ALPHA-D-MANNOSIDASE DEFICIENCY. Identifiers: Orphanet 61, MedGen C0024748, MONDO:0009561, OMIM 248500.

Submission:

Natera, Inc.
Classification: Likely pathogenic for Alpha-mannosidosis. Last evaluated: 2024-09-30. Review status: criteria provided, single submitter. Criteria: Natera Variant Classification Schema (03/2026). Collection method: clinical testing. Allele origin: germline.
Comment: The c.2510G>A variant in MAN2B1 is a nonsense variant predicted to introduce a stop codon at amino acid 837. This variant is expected to result in nonsense mediated decay, truncation, or a dysfunctional protein product. This variant is rare in the general population with a frequency below the threshold expected for the associated phenotype(s). Given the available evidence, this variant is classified as Likely Pathogenic.